The following is an entry in ClinVar:

NM_000384.3(APOB):c.5741A>G (p.Asn1914Ser)

Gene: APOB (apolipoprotein B; minus strand). Cytogenetic location: 2p24.1.
Variant type: single nucleotide variant.
Coding change: c.5741A>G on transcript NM_000384.3 (MANE Select); coding-DNA position 5741, A replaced by G.
Protein change: p.Asn1914Ser; replaces asparagine 1914 with serine.
Molecular consequence: missense variant.
Genome position (GRCh38, 1-based): chr2:21,011,127, T>C on the plus strand (A>G on the coding strand, the complement: APOB is on the minus strand). VCF-style: chr2-21011127-T-C. GRCh37 (hg19) VCF-style: chr2-21233999-T-C.
Other names: short protein forms N1914S.
Identifiers: ClinVar variation 218447 (VCV000218447.39), dbSNP rs1801699, ClinGen allele CA062438.
Genomic context (GRCh38, chr2:21,011,127, plus strand): 5'-TTCAACAGGAATTTGCTATACAGCTGCCCAGTATGTTCTCCCCAGAGAGCGAGTTTCCCA[T>C]TGCCATTTGTATGTGCATCGATGGTCATGGTAAACGGGGCCATTACAGAACGGAAGACAT-3'
Protein context (NP_000375.3, residues 1904-1924): TMTIDAHTNG[Asn1914Ser]GKLALWGEHT

ClinVar aggregate classification (germline): Benign/Likely benign. Review status: criteria provided, multiple submitters, no conflicts (2 of 4 stars). 19 submissions from 19 submitters: Benign (11); Likely benign (6). 2 of the submissions do not count toward it. Last evaluated 2026-02-04.

Conditions:
Cardiovascular phenotype. Identifiers: MedGen CN230736.
Familial hypobetalipoproteinemia 1. Also called: APOB-Related Familial Hypobetalipoproteinemia; Hypobetalipoproteinemia, normotriglyceridemic; Acanthocytosis with hypobetalipoproteinemia. Identifiers: MedGen C4551990, MONDO:0014252, OMIM 615558.
Hypercholesterolemia, autosomal dominant, type B (FHCL2). Also called: Familial Hypercholesterolemia Type B; APOLIPOPROTEIN B-100, FAMILIAL DEFECTIVE; APOB-Related Familial Hypercholesterolemia, Autosomal Dominant; APOLIPOPROTEIN B-100, FAMILIAL LIGAND-DEFECTIVE; Hyperlipoproteinemia Type IIb; HYPERCHOLESTEROLEMIA, FAMILIAL, DUE TO LIGAND-DEFECTIVE APOLIPOPROTEIN B. Identifiers: MedGen C1704417, MONDO:0007751, OMIM 144010.
Familial hypercholesterolemia. Also called: Familial hypercholesterolaemia; Familial hypercholesterolemias. Identifiers: MedGen C0020445, MONDO:0005439.
Hypercholesterolemia, familial, 1. Also called: LDL RECEPTOR DISORDER; Hyperlipoproteinemia Type IIa; HYPER-LOW-DENSITY-LIPOPROTEINEMIA; HYPERCHOLESTEROLEMIC XANTHOMATOSIS, FAMILIAL; Fredrickson type IIa hyperlipoproteinemia; Hyperlipoproteinemia type 2. Identifiers: Orphanet 391665, MedGen C0745103, MONDO:0007750, OMIM 143890.

Allele frequency attached by ClinVar (database versions not stated): gnomAD exomes 0.01935; ExAC 0.02014; ESP Exome Variant Server 0.01338; gnomAD 0.01706; TOPMed 0.01852; 1000 Genomes Project 30x 0.01062; 1000 Genomes Project 0.01118.
gnomAD v4.1: 30,768 of 1,614,218 alleles (1.9%); highest among the groups gnomAD compares: Admixed American, 5.8%; 424 homozygotes.

Submissions (19):

Labcorp Genetics (formerly Invitae), Labcorp
Classification: Benign for Familial hypobetalipoproteinemia 1; Hypercholesterolemia, autosomal dominant, type B. Last evaluated: 2026-02-04. Review status: criteria provided, single submitter. Criteria: Invitae Variant Classification Sherloc (09022015). Collection method: clinical testing. Allele origin: germline.

Molecular Diagnostic Laboratory for Inherited Cardiovascular Disease, Montreal Heart Institute
Classification: Likely benign. Last evaluated: 2025-04-08. Review status: criteria provided, single submitter. Criteria: ACMG Guidelines, 2015. Collection method: clinical testing. Allele origin: germline. Affected: no.

Blueprint Genetics
Classification: Benign. Last evaluated: 2024-11-26. Review status: criteria provided, single submitter. Criteria: ACMG Guidelines, 2015. Collection method: clinical testing. Allele origin: germline.

Quest Diagnostics Nichols Institute San Juan Capistrano
Classification: Benign. Last evaluated: 2022-07-22. Review status: criteria provided, single submitter. Criteria: Quest Diagnostics criteria. Collection method: clinical testing. Allele origin: unknown.

GENinCode PLC
Classification: Benign for Familial hypercholesterolemia. Last evaluated: 2022-06-21. Review status: criteria provided, single submitter. Criteria: ACMG Guidelines, 2015. Collection method: clinical testing. Allele origin: germline.

Illumina Laboratory Services, Illumina
Classification: Likely benign for Hypercholesterolemia, autosomal dominant, type B. Last evaluated: 2018-02-09. Review status: criteria provided, single submitter. Criteria: ICSL Variant Classification Criteria 13 December 2019. Collection method: clinical testing. Allele origin: germline.
Comment: This variant was observed as part of a predisposition screen in an ostensibly healthy population. A literature search was performed for the gene, cDNA change, and amino acid change (where applicable). Publications were found based on this search. The evidence from the literature, in combination with allele frequency data from public databases where available, was sufficient to determine this variant is unlikely to cause disease. Therefore, this variant is classified as likely benign.

Robarts Research Institute, Western University
Classification: Benign for Hypercholesterolemia, familial, 1. Last evaluated: 2018-01-02. Review status: criteria provided, single submitter. Criteria: ACMG Guidelines, 2015. Collection method: clinical testing. Allele origin: germline. Inheritance: Autosomal dominant inheritance. Affected: yes.

Color Diagnostics, LLC DBA Color Health
Classification: Benign for Familial hypercholesterolemia. Last evaluated: 2017-06-27. Review status: criteria provided, single submitter. Criteria: ACMG Guidelines, 2015. Collection method: clinical testing. Allele origin: germline.

GeneDx
Classification: Benign. Last evaluated: 2016-11-21. Review status: criteria provided, single submitter. Criteria: GeneDx Variant Classification (06012015). Collection method: clinical testing. Allele origin: germline. Affected: yes.
Comment: This variant is considered likely benign or benign based on one or more of the following criteria: it is a conservative change, it occurs at a poorly conserved position in the protein, it is predicted to be benign by multiple in silico algorithms, and/or has population frequency not consistent with disease.

Laboratory for Molecular Medicine, Mass General Brigham Personalized Medicine
Classification: Likely benign. Last evaluated: 2016-03-28. Review status: criteria provided, single submitter. Criteria: LMM Criteria. Collection method: clinical testing. Allele origin: germline.
Comment: Variant identified in a genome or exome case(s) and assessed due to predicted null impact of the variant or pathogenic assertions in the literature or databases. Disclaimer: This variant has not undergone full assessment. The following are preliminary notes: Frequency in 1000Genomes: 34/2178=1.5%

Cardiovascular Research Group, Instituto Nacional de Saude Doutor Ricardo Jorge
Classification: Likely benign for Familial hypercholesterolemia. Last evaluated: 2016-03-01. Review status: criteria provided, single submitter. Criteria: ACMG Guidelines, 2015. Collection method: research. Allele origin: germline. Affected: yes.
Comment: 2/101 non-FH individuals

Laboratory of Genetics and Molecular Cardiology, University of São Paulo
Classification: Likely benign for Familial hypercholesterolemia. Last evaluated: 2016-03-01. Review status: criteria provided, single submitter. Criteria: ACMG Guidelines, 2015. Collection method: research. Allele origin: germline. Study: HipercolBrasil.

Ambry Genetics
Classification: Benign for Cardiovascular phenotype. Last evaluated: 2015-12-21. Review status: criteria provided, single submitter. Criteria: Ambry Variant Classification Scheme 2023. Collection method: clinical testing. Allele origin: germline.

Genomic Diagnostic Laboratory, Division of Genomic Diagnostics, Children's Hospital of Philadelphia
Classification: Benign for Familial hypercholesterolemia. Last evaluated: 2015-02-05. Review status: criteria provided, single submitter. Criteria: DGD Variant Analysis Guidelines. Collection method: clinical testing. Allele origin: unknown.

Mayo Clinic Laboratories, Mayo Clinic
Classification: Benign. Last evaluated: 2014-04-16. Review status: criteria provided, single submitter. Criteria: ACMG Guidelines, 2015. Collection method: clinical testing. Allele origin: germline. Observed: 48 variant alleles.

Breakthrough Genomics
Classification: Likely benign. Review status: criteria provided, single submitter. Criteria: ACMG Guidelines, 2015. Collection method: not provided. Allele origin: germline. Inheritance: Autosomal recessive inheritance. Affected: yes.

PreventionGenetics, part of Exact Sciences
Classification: Benign. Review status: criteria provided, single submitter. Criteria: ACMG Guidelines, 2015. Collection method: clinical testing. Allele origin: germline.

Clinical Genetics, Academic Medical Center
Classification: Benign. Review status: no assertion criteria provided. Collection method: clinical testing. Allele origin: germline. Affected: yes. Study: VKGL Data-share Consensus. Not counted in ClinVar's aggregate classification.

Diagnostic Laboratory, Department of Genetics, University Medical Center Groningen
Classification: Benign. Review status: no assertion criteria provided. Collection method: clinical testing. Allele origin: germline. Affected: yes. Study: VKGL Data-share Consensus. Not counted in ClinVar's aggregate classification.

Literature cited by the submitters: PubMed 24234650 (cited by Quest Diagnostics Nichols Institute San Juan Capistrano); PubMed 19602640 (cited by Quest Diagnostics Nichols Institute San Juan Capistrano); PubMed 9490296 (cited by Illumina Laboratory Services, Illumina); PubMed 8889592 (cited by Illumina Laboratory Services, Illumina); PubMed 8960785 (cited by Cardiovascular Research Group, Instituto Nacional de Saude Doutor Ricardo Jorge and Laboratory of Genetics and Molecular Cardiology, University of São Paulo).